The following is an entry in ClinVar:

NM_012424.6(RPS6KC1):c.67C>T (p.His23Tyr)

Gene: RPS6KC1 (ribosomal protein S6 kinase C1; plus strand). Cytogenetic location: 1q32.3.
Variant type: single nucleotide variant.
Coding change: c.67C>T on transcript NM_012424.6 (MANE Select); coding-DNA position 67, C replaced by T.
Protein change: p.His23Tyr; replaces histidine 23 with tyrosine.
Molecular consequence: missense variant. On other transcripts: 5 prime UTR variant (27), non-coding transcript variant (4).
Genome position (GRCh38, 1-based): chr1:213,051,471, C>T. VCF-style: chr1-213051471-C-T. GRCh37 (hg19) VCF-style: chr1-213224813-C-T.
Other names: c.67C>T, p.His23Tyr (NM_001136138.4, NM_001349646.2, NM_001349647.2); c.-555C>T (NM_001287218.3, NM_001349653.2); c.-594C>T (NM_001287219.3, NM_001349649.2); c.-1148C>T (NM_001287220.3); c.-356C>T (NM_001287221.3); c.-546C>T (NM_001349648.2); c.-672C>T (NM_001349650.2, NM_001349654.2); c.-793C>T (NM_001349651.2); and 17 more; short protein forms H23Y.
Identifiers: ClinVar variation 2184907 (VCV002184907.6), dbSNP rs765345008, ClinGen allele CA1387017.
Genomic context (GRCh38, chr1:213,051,471, plus strand): 5'-TCTTACCGGGAGCGGAGTGCCGACCTGGCCCGTTTCTACACTGTCACCGAGCCCCAGCGA[C>T]ACCCGAGGGGCTACACAGTATATAAGGTCACCGCCCGGGTGAGTGCCGGTGTCGGGCTGG-3'
Protein context (NP_036556.2, residues 13-33): RFYTVTEPQR[His23Tyr]PRGYTVYKVT

ClinVar aggregate classification (germline): Uncertain significance. Review status: criteria provided, multiple submitters, no conflicts (2 of 4 stars). 2 submissions from 2 submitters: Uncertain significance (2). Last evaluated 2025-10-15.

Allele frequency attached by ClinVar (database versions not stated): gnomAD 0.00001; ExAC 0.00002; TOPMed 0.00003; gnomAD exomes 0.00005.
gnomAD v4.1: 70 of 1,613,468 alleles (0.0043%); highest among the groups gnomAD compares: Middle Eastern, 0.016%; no homozygotes.

Submissions (2):

Ambry Genetics
Classification: Uncertain significance. Last evaluated: 2025-10-15. Review status: criteria provided, single submitter. Criteria: Ambry Variant Classification Scheme 2023. Collection method: clinical testing. Allele origin: germline.

Labcorp Genetics (formerly Invitae), Labcorp
Classification: Uncertain significance. Last evaluated: 2024-08-12. Review status: criteria provided, single submitter. Criteria: Invitae Variant Classification Sherloc (09022015). Collection method: clinical testing. Allele origin: germline.
Comment: This sequence change replaces histidine, which is basic and polar, with tyrosine, which is neutral and polar, at codon 23 of the RPS6KC1 protein (p.His23Tyr). The frequency data for this variant in the population databases is considered unreliable, as metrics indicate poor data quality at this position in the gnomAD database. This variant has not been reported in the literature in individuals affected with RPS6KC1-related conditions. ClinVar contains an entry for this variant (Variation ID: 2184907). An algorithm developed to predict the effect of missense changes on protein structure and function (PolyPhen-2) suggests that this variant is likely to be disruptive. In summary, the available evidence is currently insufficient to determine the role of this variant in disease. Therefore, it has been classified as a Variant of Uncertain Significance.